The following is an entry in ClinVar:

NM_003242.6(TGFBR2):c.-27G>C

Gene: TGFBR2 (transforming growth factor beta receptor 2; plus strand). Cytogenetic location: 3p24.1.
Variant type: single nucleotide variant.
Coding change: c.-27G>C on transcript NM_003242.6 (MANE Select); 27 bases upstream of the start codon, G replaced by C.
Molecular consequence: 5 prime UTR variant.
Genome position (GRCh38, 1-based): chr3:30,606,857, G>C. VCF-style: chr3-30606857-G-C. GRCh37 (hg19) VCF-style: chr3-30648349-G-C.
Other names: c.-27G>C (NM_001024847.3, NM_001407126.1, NM_001407127.1 and 4 more transcripts); c.-310G>C (NM_001407133.1); c.-188G>C (NM_001407134.1); c.-235G>C (NM_001407135.1); c.-320G>C (NM_001407136.1).
Identifiers: ClinVar variation 489351 (VCV000489351.4), dbSNP rs1469986980, ClinGen allele CA542110292.

ClinVar aggregate classification (germline): Uncertain significance/Uncertain risk allele. Review status: criteria provided, multiple submitters, no conflicts (2 of 4 stars). 2 submissions from 2 submitters: Uncertain significance (1); Uncertain risk allele (1). Last evaluated 2018-01-17.

Conditions:
Diabetic retinopathy. Identifiers: MedGen C0011884, MONDO:0005266.

Allele frequency attached by ClinVar (database versions not stated): TOPMed below 0.00001; gnomAD 0.00001.

Submissions (2):

GeneDx
Classification: Uncertain significance. Last evaluated: 2018-01-17. Review status: criteria provided, single submitter. Criteria: GeneDx Variant Classification (06012015). Collection method: clinical testing. Allele origin: germline. Affected: yes.
Comment: A variant of uncertain significance has been identified in the TGFBR2 gene. The c.-27 G>C variant has not been published as pathogenic or been reported as benign to our knowledge. This variant is not observed in large population cohorts (Lek et al., 2016). The c.-27 G>C variant is located in the 5' untranslated region of the TGFBR2 gene at a nucleotide that is conserved through mammals. Other variants in the 5' regulatory region of the TGFBR2 gene have been reported in HGMD in association with TGFBR2-related disorders (Stenson et al., 2014). However, this variant does not create a new start codon and does not alter the Kozak sequence. Nevertheless, the in absence of functional studies the consequence of the c.-27 G>C variant cannot be precisely determined.

Clinical Genomics, Uppaluri K&H Personalized Medicine Clinic
Classification: Uncertain risk allele for Diabetic retinopathy. Review status: criteria provided, single submitter. Criteria: K And H Uppaluri Personalized Medicine Clinic Variant Classification And Assertion Criteria Updated V 2. Collection method: research. Allele origin: unknown.
Comment: Potent mutations in TGFBR2 gene encodes the transforming growth factor that have been associated with angiogenesis and diabetic retinopathy. More clinical studies are needed for stronger association. However, more evidence is required to confer the association of this particular variant rs1469986980 with diabetic retinopathy.

Literature cited by the submitters: PubMed 30222965 (cited by Clinical Genomics, Uppaluri K&H Personalized Medicine Clinic); PubMed 28162229 (cited by Clinical Genomics, Uppaluri K&H Personalized Medicine Clinic); PubMed 34572573 (cited by Clinical Genomics, Uppaluri K&H Personalized Medicine Clinic).